The following is an entry in ClinVar:

ClinVar aggregate classification (germline): Likely pathogenic (1 of 4 stars; one submission).

Submission:

Labcorp Genetics (formerly Invitae), Labcorp
Classification: Likely pathogenic. Last evaluated: 2024-03-08. Review status: criteria provided, single submitter. Criteria: Invitae Variant Classification Sherloc (09022015). Collection method: clinical testing. Allele origin: germline.
Comment: This variant results in the deletion of part of exon 39 (c.5423_5428+33del) of the CACNA1B gene. It is expected to disrupt RNA splicing. Variants that disrupt the donor or acceptor splice site typically lead to a loss of protein function (PMID: 16199547), and loss-of-function variants in CACNA1B are known to be pathogenic (PMID: 30982612). This variant is not present in population databases (gnomAD no frequency). This variant has not been reported in the literature in individuals affected with CACNA1B-related conditions. Experimental studies and prediction algorithms are not available or were not evaluated, and the functional significance of this variant is currently unknown. In summary, the currently available evidence indicates that the variant is pathogenic, but additional data are needed to prove that conclusively. Therefore, this variant has been classified as Likely Pathogenic.

Literature cited by the submitters: PubMed 16199547; PubMed 30982612.

NM_000718.4(CACNA1B):c.5423_5428+33del

Gene: CACNA1B (calcium voltage-gated channel subunit alpha1 B; plus strand). Cytogenetic location: 9q34.3.
Variant type: Deletion.
Coding change: c.5423_5428+33del on transcript NM_000718.4 (MANE Select); coding-DNA position 5423 through 33 bases into the intron after coding-DNA position 5428, 39 bases deleted.
Molecular consequence: splice donor variant.
Genome position (GRCh38, 1-based): chr9:138,105,802-138,105,840, 39 bases deleted; deleting any 39 consecutive bases within chr9:138,105,798-138,105,840 gives the same sequence; the c. name uses the placement nearest the transcript's 3' end. GRCh37 (hg19): chr9:141,000,254-141,000,292.
Other names: c.5423_5428+33del (NM_001243812.2).
Identifiers: ClinVar variation 3644829 (VCV003644829.2).